The following is an entry in ClinVar:

NM_000494.4(COL17A1):c.1336G>A (p.Gly446Ser)

Gene: COL17A1 (collagen type XVII alpha 1 chain; minus strand). Cytogenetic location: 10q25.1.
Variant type: single nucleotide variant.
Coding change: c.1336G>A on transcript NM_000494.4 (MANE Select); coding-DNA position 1336, G replaced by A.
Protein change: p.Gly446Ser; replaces glycine 446 with serine.
Molecular consequence: missense variant.
Genome position (GRCh38, 1-based): chr10:104,057,104, C>T on the plus strand (G>A on the coding strand, the complement: COL17A1 is on the minus strand). VCF-style: chr10-104057104-C-T. GRCh37 (hg19) VCF-style: chr10-105816862-C-T.
Other names: c.1336G>A, p.Gly446Ser (LRG_1249t1); short protein forms G446S.
Identifiers: ClinVar variation 298737 (VCV000298737.43), dbSNP rs149983875, ClinGen allele CA5679062.
Genomic context (GRCh38, chr10:104,057,104, plus strand): 5'-TCCACCAGCTGCAGCAGGAGCCGCAGGGGCACCAGGCTGGCGCTGGTCCCCAAGGGCCGC[C>T]GCCAGCGCCACCAACACCGCCACCTCCTCCACTGCCACCACCACCACTGCTGCCGTAGCT-3'
Protein context (NP_000485.3, residues 436-456): GGGGGVGGAG[Gly446Ser]GPWGPAPAWC

ClinVar aggregate classification (germline): Benign/Likely benign. Review status: criteria provided, multiple submitters, no conflicts (2 of 4 stars). 7 submissions from 7 submitters: Benign (2); Likely benign (4). 1 of the submissions does not count toward it. Last evaluated 2026-04-01.

Conditions:
Epidermolysis bullosa, junctional 4, intermediate. Also called: EPIDERMOLYSIS BULLOSA, JUNCTIONAL 4, NON-HERLITZ TYPE; EPIDERMOLYSIS BULLOSA, GENERALIZED ATROPHIC BENIGN; Epidermolysis bullosa, junctional, localisata variant. Identifiers: MedGen C2608084, MONDO:0030750, OMIM 619787.
Epithelial recurrent erosion dystrophy (ERED). Also called: CORNEAL EROSIONS, RECURRING HEREDITARY. Identifiers: Orphanet 293381, MedGen C1852551, MONDO:0007381, OMIM 122400.
COL17A1-related disorder. Also called: COL17A1-related condition.
Junctional epidermolysis bullosa, non-Herlitz type. Also called: Adult junctional epidermolysis bullosa; COL17A1-Related Junctional Epidermolysis Bullosa; Epidermolysis bullosa, junctional, non-herlitz type, somatic mosaic revertant; EPIDERMOLYSIS BULLOSA, JUNCTIONAL 1A, INTERMEDIATE; EPIDERMOLYSIS BULLOSA JUNCTIONALIS, DISENTIS TYPE; EPIDERMOLYSIS BULLOSA JUNCTIONALIS, NON-HERLITZ TYPE. Identifiers: Orphanet 251393, Orphanet 79402, Orphanet 79405, Orphanet 89840, MedGen C0268374, MONDO:0009180, OMIM 226650.

Allele frequency attached by ClinVar (database versions not stated): 1000 Genomes Project 30x 0.00156; 1000 Genomes Project 0.00160; gnomAD 0.00377 and 0.00383; TOPMed 0.00397; ExAC 0.00446; gnomAD exomes 0.00456 and 0.00459; ESP Exome Variant Server 0.00461.
gnomAD v4.1: 7,258 of 1,612,570 alleles (0.45%); highest among the groups gnomAD compares: Non-Finnish European, 0.5%; 30 homozygotes.

Submissions (7):

CeGaT Center for Human Genetics Tuebingen
Classification: Likely benign. Last evaluated: 2026-04-01. Review status: criteria provided, single submitter. Criteria: CeGaT Center For Human Genetics Tuebingen Variant Classification Criteria Version 2. Collection method: clinical testing. Allele origin: germline. Affected: yes. Observed: 6 variant alleles.
Comment: COL17A1: BP4, BS1

Labcorp Genetics (formerly Invitae), Labcorp
Classification: Benign. Last evaluated: 2026-01-24. Review status: criteria provided, single submitter. Criteria: Invitae Variant Classification Sherloc (09022015). Collection method: clinical testing. Allele origin: germline.

Fulgent Genetics
Classification: Likely benign for Epithelial recurrent erosion dystrophy; Epidermolysis bullosa, junctional 4, intermediate. Last evaluated: 2022-02-09. Review status: criteria provided, single submitter. Criteria: ACMG Guidelines, 2015. Collection method: clinical testing. Allele origin: unknown.

Illumina Laboratory Services, Illumina
Classification: Likely benign for Junctional epidermolysis bullosa, non-Herlitz type. Last evaluated: 2018-01-13. Review status: criteria provided, single submitter. Criteria: ICSL Variant Classification Criteria 13 December 2019. Collection method: clinical testing. Allele origin: germline.
Comment: This variant was observed in the ICSL laboratory as part of a predisposition screen in an ostensibly healthy population. It had not been previously curated by ICSL or reported in the Human Gene Mutation Database (HGMD: prior to June 1st, 2018), and was therefore a candidate for classification through an automated scoring system. Utilizing variant allele frequency, disease prevalence and penetrance estimates, and inheritance mode, an automated score was calculated to assess if this variant is too frequent to cause the disease. Based on the score and internal cut-off values, a variant classified as likely benign is not then subjected to further curation. The score for this variant resulted in a classification of likely benign for this disease.

GeneDx
Classification: Benign. Last evaluated: 2015-03-03. Review status: criteria provided, single submitter. Criteria: GeneDx Variant Classification Process June 2021. Collection method: clinical testing. Allele origin: germline. Affected: yes.

Breakthrough Genomics
Classification: Likely benign. Review status: criteria provided, single submitter. Criteria: ACMG Guidelines, 2015. Collection method: not provided. Allele origin: germline. Inheritance: Autosomal recessive inheritance. Affected: yes.

PreventionGenetics, part of Exact Sciences
Classification: Benign for COL17A1-related condition. Last evaluated: 2019-11-19. Review status: no assertion criteria provided. Collection method: clinical testing. Allele origin: germline. Not counted in ClinVar's aggregate classification.
Comment: This variant is classified as benign based on ACMG/AMP sequence variant interpretation guidelines (Richards et al. 2015 PMID: 25741868, with internal and published modifications).